The following is an entry in ClinVar:

NM_018834.6(MATR3):c.657T>C (p.Tyr219=)

Gene: MATR3 (matrin 3; plus strand). Cytogenetic location: 5q31.2.
Variant type: single nucleotide variant.
Coding change: c.657T>C on transcript NM_018834.6 (MANE Select); coding-DNA position 657, T replaced by C.
Protein change: p.Tyr219=; no amino-acid change (tyrosine 219 retained).
Molecular consequence: synonymous variant. On other transcripts: intron variant (2).
Genome position (GRCh38, 1-based): chr5:139,308,072, T>C. VCF-style: chr5-139308072-T-C. GRCh37 (hg19) VCF-style: chr5-138643761-T-C.
Other names: p.Tyr219=; c.657T>C (NM_199189.2); c.657T>C, p.Tyr219= (NM_001194954.2, NM_001194955.2, NM_199189.3); c.-102-6603T>C (NM_001282278.2); c.49-6603T>C (NM_001194956.2).
Identifiers: ClinVar variation 1574433 (VCV001574433.9), dbSNP rs775810771, ClinGen allele CA3432928.

ClinVar aggregate classification (germline): Likely benign. Review status: criteria provided, multiple submitters, no conflicts (2 of 4 stars). 2 submissions from 2 submitters: Likely benign (2). Last evaluated 2025-10-09.

Conditions:
Amyotrophic lateral sclerosis type 21. Also called: VOCAL CORD AND PHARYNGEAL DYSFUNCTION WITH DISTAL MYOPATHY; MYOPATHY, DISTAL, 2. Identifiers: Orphanet 600, Orphanet 803, MedGen C3807521, MONDO:0011632, OMIM 606070.

Allele frequency attached by ClinVar (database versions not stated): gnomAD exomes 0.00001 and 0.00002; ExAC 0.00002; TOPMed 0.00003.
gnomAD v4.1: 16 of 1,614,134 alleles (0.00099%); highest among the groups gnomAD compares: Non-Finnish European, 0.0013%; no homozygotes.

Submissions (2):

Mayo Clinic Laboratories, Mayo Clinic
Classification: Likely benign. Last evaluated: 2025-10-09. Review status: criteria provided, single submitter. Criteria: ACMG Guidelines, 2015. Collection method: clinical testing. Allele origin: germline. Observed: 1 variant allele.
Comment: BP4, BP7

Labcorp Genetics (formerly Invitae), Labcorp
Classification: Likely benign for Amyotrophic lateral sclerosis type 21. Last evaluated: 2024-04-25. Review status: criteria provided, single submitter. Criteria: Invitae Variant Classification Sherloc (09022015). Collection method: clinical testing. Allele origin: germline.